The following is an entry in ClinVar:

ClinVar aggregate classification (germline): Conflicting classifications of pathogenicity. Review status: criteria provided, conflicting classifications (1 of 4 stars). 5 submissions from 5 submitters: Pathogenic (1); Likely pathogenic (3); Uncertain significance (1). Last evaluated 2026-08-20.

Conditions:
Pyruvate dehydrogenase E3 deficiency (DLDD). Also called: Dihydrolipoamide Dehydrogenase (E3) Deficiency; MAPLE SYRUP URINE DISEASE, TYPE III; DLD DEFICIENCY; E3 DEFICIENCY; Dihydrolipoamide Dehydrogenase E3 Deficiency; Lipoamide dehydrogenase deficiency, lactic acidosis due to. Identifiers: Orphanet 2394, Orphanet 765, MedGen C5574660, MONDO:0009529, OMIM 246900.

Allele frequency attached by ClinVar (database versions not stated): gnomAD exomes below 0.00001.
gnomAD v4.1: 3 of 1,614,110 alleles (0.00019%); highest among the groups gnomAD compares: Non-Finnish European, 0.00025%; no homozygotes.

Submissions (5):

Myriad Genetics, Inc.
Classification: Uncertain significance for Pyruvate dehydrogenase E3 deficiency. Last evaluated: 2026-08-20. Review status: criteria provided, single submitter. Criteria: Myriad Autosomal Dominant, Autosomal Recessive and X-Linked Classification Criteria (2023). Collection method: clinical testing. Allele origin: unknown.
Comment: NM_000108.3(DLD):c.1058T>C(I353T) is a missense variant classified as a variant of uncertain significance in the context of dihydrolipoamide dehydrogenase deficiency. I353T has been observed in cases with relevant disease (PMID: 27896107, 33306821). Relevant functional assessments of this variant are not available in the literature. I353T has not been observed in referenced population frequency databases. In summary, there is insufficient evidence to classify NM_000108.3(DLD):c.1058T>C(I353T) as pathogenic or benign. Please note: this variant was assessed in the context of healthy population screening.

Labcorp Genetics (formerly Invitae), Labcorp
Classification: Pathogenic for Pyruvate dehydrogenase E3 deficiency. Last evaluated: 2025-10-09. Review status: criteria provided, single submitter. Criteria: Invitae Variant Classification Sherloc (09022015). Collection method: clinical testing. Allele origin: germline.
Comment: This sequence change replaces isoleucine, which is neutral and non-polar, with threonine, which is neutral and polar, at codon 353 of the DLD protein (p.Ile353Thr). This variant is not present in population databases (gnomAD no frequency). This missense change has been observed in individual(s) with dihydrolipoamide dehydrogenase deficiency (PMID: 23290025, 27896107, 33306821). In at least one individual the data is consistent with being in trans (on the opposite chromosome) from a pathogenic variant. This variant is also known as I318T. ClinVar contains an entry for this variant (Variation ID: 1346904). Invitae Evidence Modeling of protein sequence and biophysical properties (such as structural, functional, and spatial information, amino acid conservation, physicochemical variation, residue mobility, and thermodynamic stability) indicates that this missense variant is expected to disrupt DLD protein function with a positive predictive value of 95%. For these reasons, this variant has been classified as Pathogenic.

Natera, Inc.
Classification: Likely pathogenic for Maple syrup urine disease type 3. Last evaluated: 2025-08-04. Review status: criteria provided, single submitter. Criteria: Natera Variant Classification Schema (03/2026). Collection method: clinical testing. Allele origin: germline.
Comment: The c.1058T>C variant in DLD is a missense variant predicted to cause substitution of isoleucine to threonine at amino acid 353. This variant is rare in the general population with a frequency below the threshold expected for the associated phenotype(s). This variant has been observed in one or more individuals affected with the associated recessive disease, as either homozygous or compound heterozygous with a second variant (PMID: 33306821, 27896107). Computational prediction algorithms indicate this variant is likely to affect gene or protein function. Given the available evidence, this variant is classified as Likely Pathogenic.

Baylor Genetics
Classification: Likely pathogenic for Pyruvate dehydrogenase E3 deficiency. Last evaluated: 2024-01-02. Review status: criteria provided, single submitter. Criteria: ACMG Guidelines, 2015. Collection method: clinical testing. Allele origin: unknown.

Women's Health and Genetics/Laboratory Corporation of America, LabCorp
Classification: Likely pathogenic for Pyruvate dehydrogenase E3 deficiency. Last evaluated: 2023-04-28. Review status: criteria provided, single submitter. Criteria: LabCorp Variant Classification Summary - May 2015. Collection method: clinical testing. Allele origin: germline.
Comment: Variant summary: DLD c.1058T>C (p.Ile353Thr) results in a non-conservative amino acid change located in the FAD/NAD(P)-binding domain (IPR023753) of the encoded protein sequence. Five of five in-silico tools predict a damaging effect of the variant on protein function. The variant was absent in 251324 control chromosomes. c.1058T>C has been reported in the literature as a biallelic compound heterozygous genotype in individuals affected with Dihydrolipoamide Dehydrogenase Deficiency (MSUD Type 3) (example, Quinonez_2014, Quinonez_2013, Wu_2020, Staretz-Chacham_2021). To our knowledge, no experimental evidence demonstrating an impact on protein function has been reported. The following publications have been ascertained in the context of this evaluation (PMID: 27896107, 23290025, 34684524, 33306821). One clinical diagnostic laboratory has submitted clinical-significance assessments for this variant to ClinVar after 2014 and classified the variant as pathogenic citing overlapping evidence utilized in the context of this evaluation. Based on the evidence outlined above, the variant was classified as likely pathogenic.

Literature cited by the submitters: PubMed 27896107 (cited by 4 submitters); PubMed 33306821 (cited by 4 submitters); PubMed 23290025 (cited by Labcorp Genetics (formerly Invitae), Labcorp and Women's Health and Genetics/Laboratory Corporation of America, LabCorp); PubMed 34684524 (cited by Women's Health and Genetics/Laboratory Corporation of America, LabCorp).

NM_000108.5(DLD):c.1058T>C (p.Ile353Thr)

Gene: DLD (dihydrolipoamide dehydrogenase; plus strand). Cytogenetic location: 7q31.1.
Variant type: single nucleotide variant.
Coding change: c.1058T>C on transcript NM_000108.5 (MANE Select); coding-DNA position 1058, T replaced by C.
Protein change: p.Ile353Thr; replaces isoleucine 353 with threonine.
Molecular consequence: missense variant.
Genome position (GRCh38, 1-based): chr7:107,917,284, T>C. VCF-style: chr7-107917284-T-C. GRCh37 (hg19) VCF-style: chr7-107557729-T-C.
Other names: c.761T>C, p.Ile254Thr (NM_001289750.1); c.989T>C, p.Ile330Thr (NM_001289751.1); c.914T>C, p.Ile305Thr (NM_001289752.1); c.1058T>C (NM_000108.4); short protein forms I254T, I330T, I305T, I353T.
Identifiers: ClinVar variation 1346904 (VCV001346904.12), dbSNP rs2116271469, ClinGen allele CA368858034.
Genomic context (GRCh38, chr7:107,917,284, plus strand): 5'-TAGCTGTGATTTCAGAAATTCATTGTGTTTCTTTTGATTTCTGTGGTAGTATCTATGCCA[T>C]TGGTGATGTAGTTGCTGGTCCAATGCTGGCTCACAAAGCAGAGGATGAAGGCATTATCTG-3'
Protein context (NP_000099.2, residues 343-363): FQTKIPNIYA[Ile353Thr]GDVVAGPMLA